The following is an entry in ClinVar:

NM_001367624.2(ZNF469):c.7936G>C (p.Glu2646Gln)

Gene: ZNF469 (zinc finger protein 469; plus strand). Cytogenetic location: 16q24.2.
Variant type: single nucleotide variant.
Coding change: c.7936G>C on transcript NM_001367624.2 (MANE Select); coding-DNA position 7936, G replaced by C.
Protein change: p.Glu2646Gln; replaces glutamic acid 2646 with glutamine.
Molecular consequence: missense variant.
Genome position (GRCh38, 1-based): chr16:88,435,406, G>C. VCF-style: chr16-88435406-G-C. GRCh37 (hg19) VCF-style: chr16-88501814-G-C.
Other names: NM_001127464.1:c.7852G>C; short protein forms E2646Q.
Identifiers: ClinVar variation 1403536 (VCV001403536.9), dbSNP rs1413197098, ClinGen allele CA397115471.

ClinVar aggregate classification (germline): Conflicting classifications of pathogenicity. Review status: criteria provided, conflicting classifications (1 of 4 stars). 3 submissions from 3 submitters: Uncertain significance (2); Likely benign (1). Last evaluated 2025-05-25.

Conditions:
Cardiovascular phenotype. Identifiers: MedGen CN230736.

gnomAD v4.1: 16 of 1,550,244 alleles (0.001%); highest among the groups gnomAD compares: Non-Finnish European, 0.0014%; no homozygotes.

Submissions (3):

Women's Health and Genetics/Laboratory Corporation of America, LabCorp
Classification: Uncertain significance. Last evaluated: 2025-05-25. Review status: criteria provided, single submitter. Criteria: LabCorp Variant Classification Summary - May 2015. Collection method: clinical testing. Allele origin: germline.
Comment: Variant summary: ZNF469 c.7936G>C (p.Glu2646Gln) results in a conservative amino acid change in the encoded protein sequence. Algorithms developed to predict the effect of missense changes on protein structure and function all suggest that this variant is likely to be tolerated. The frequency data for this variant in gnomAD is considered unreliable, as metrics indicate poor data quality at this position. To our knowledge, no occurrence of c.7936G>C in individuals affected with Brittle cornea syndrome 1 and no experimental evidence demonstrating its impact on protein function have been reported. ClinVar contains an entry for this variant (Variation ID: 1403536). Based on the evidence outlined above, the variant was classified as uncertain significance.

Ambry Genetics
Classification: Likely benign for Cardiovascular phenotype. Last evaluated: 2024-07-15. Review status: criteria provided, single submitter. Criteria: Ambry Variant Classification Scheme 2023. Collection method: clinical testing. Allele origin: germline.

Labcorp Genetics (formerly Invitae), Labcorp
Classification: Uncertain significance. Last evaluated: 2021-09-01. Review status: criteria provided, single submitter. Criteria: Invitae Variant Classification Sherloc (09022015). Collection method: clinical testing. Allele origin: germline.
Comment: This sequence change replaces glutamic acid with glutamine at codon 2618 of the ZNF469 protein (p.Glu2618Gln). The glutamic acid residue is weakly conserved and there is a small physicochemical difference between glutamic acid and glutamine. This variant is not present in population databases (ExAC no frequency). This variant has not been reported in the literature in individuals affected with ZNF469-related conditions. Algorithms developed to predict the effect of missense changes on protein structure and function (SIFT, PolyPhen-2, Align-GVGD) all suggest that this variant is likely to be tolerated. In summary, the available evidence is currently insufficient to determine the role of this variant in disease. Therefore, it has been classified as a Variant of Uncertain Significance.